The following is an entry in ClinVar:

NM_004360.5(CDH1):c.2315T>A (p.Leu772Gln)

Gene: CDH1 (cadherin 1; plus strand). Cytogenetic location: 16q22.1.
Variant type: single nucleotide variant.
Coding change: c.2315T>A on transcript NM_004360.5 (MANE Select); coding-DNA position 2315, T replaced by A.
Protein change: p.Leu772Gln; replaces leucine 772 with glutamine.
Molecular consequence: missense variant.
Genome position (GRCh38, 1-based): chr16:68,829,673, T>A. VCF-style: chr16-68829673-T-A. GRCh37 (hg19) VCF-style: chr16-68863576-T-A.
Other names: c.2132T>A, p.Leu711Gln (NM_001317184.2); c.767T>A, p.Leu256Gln (NM_001317185.2); c.350T>A, p.Leu117Gln (NM_001317186.2); short protein forms L117Q, L256Q, L711Q, L772Q.
Identifiers: ClinVar variation 2503001 (VCV002503001.3), dbSNP rs1596972390, ClinGen allele CA396470839.

ClinVar aggregate classification (germline): Uncertain significance. Review status: criteria provided, multiple submitters, no conflicts (2 of 4 stars). 2 submissions from 2 submitters: Uncertain significance (2). Last evaluated 2024-04-13.

Conditions:
Hereditary diffuse gastric adenocarcinoma (HDGC). Also called: DIFFUSE GASTRIC AND LOBULAR BREAST CANCER SYNDROME. Identifiers: Orphanet 26106, MedGen C1708349, MONDO:0007648, OMIM 137215.

Submissions (2):

Labcorp Genetics (formerly Invitae), Labcorp
Classification: Uncertain significance for Hereditary diffuse gastric adenocarcinoma. Last evaluated: 2024-04-13. Review status: criteria provided, single submitter. Criteria: Invitae Variant Classification Sherloc (09022015). Collection method: clinical testing. Allele origin: germline.
Comment: This sequence change replaces leucine, which is neutral and non-polar, with glutamine, which is neutral and polar, at codon 772 of the CDH1 protein (p.Leu772Gln). This variant is not present in population databases (gnomAD no frequency). This missense change has been observed in individual(s) with diffuse gastric cancer (PMID: 24493355). ClinVar contains an entry for this variant (Variation ID: 2503001). An algorithm developed to predict the effect of missense changes on protein structure and function (PolyPhen-2) suggests that this variant is likely to be disruptive. In summary, the available evidence is currently insufficient to determine the role of this variant in disease. Therefore, it has been classified as a Variant of Uncertain Significance.

European Reference Network on Genetic Tumour Risk Syndromes (ERN-GENTURIS), i3s - Instituto de Investigação e Inovação em Saúde, University of Porto
Classification: Uncertain significance for Hereditary diffuse gastric adenocarcinoma. Last evaluated: 2022-08-01. Review status: criteria provided, single submitter. Criteria: Lee et al. (Hum Mutat. 2018). Collection method: clinical testing. Allele origin: germline. Inheritance: Autosomal dominant inheritance. Affected: yes. Study: ERN GENTURIS.
Comment: PS4_Supporting; PM2 (PMID: 30311375)

Literature cited by the submitters: PubMed 24493355 (cited by Labcorp Genetics (formerly Invitae), Labcorp); PubMed 36436516 (cited by European Reference Network on Genetic Tumour Risk Syndromes (ERN-GENTURIS), i3s - Instituto de Investigação e Inovação em Saúde, University of Porto).